The following is an entry in ClinVar:

NM_015272.5(RPGRIP1L):c.249A>G (p.Ile83Met)

Gene: RPGRIP1L (RPGRIP1 like; minus strand). Cytogenetic location: 16q12.2.
Variant type: single nucleotide variant.
Coding change: c.249A>G on transcript NM_015272.5 (MANE Select); coding-DNA position 249, A replaced by G.
Protein change: p.Ile83Met; replaces isoleucine 83 with methionine.
Molecular consequence: missense variant.
Genome position (GRCh38, 1-based): chr16:53,692,346, T>C on the plus strand (A>G on the coding strand, the complement: RPGRIP1L is on the minus strand). VCF-style: chr16-53692346-T-C. GRCh37 (hg19) VCF-style: chr16-53726258-T-C.
Other names: c.249A>G, p.Ile83Met (NM_001127897.4, NM_001308334.3, NM_001330538.2); short protein forms I83M.
Identifiers: ClinVar variation 2167172 (VCV002167172.3), dbSNP rs2544709899, ClinGen allele CA395925214.

ClinVar aggregate classification (germline): Uncertain significance (1 of 4 stars; one submission).

Conditions:
Joubert syndrome. Also called: CEREBELLOPARENCHYMAL DISORDER IV; JOUBERT-BOLTSHAUSER SYNDROME; Familial aplasia of the vermis. Identifiers: Orphanet 475, MedGen C5979921, MONDO:0018772.
Meckel-Gruber syndrome. Also called: DYSENCEPHALIA SPLANCHNOCYSTICA; GRUBER SYNDROME; Dysencephalia splachnocystica. Identifiers: Orphanet 564, MedGen C0265215, MONDO:0018921.

Submission:

Labcorp Genetics (formerly Invitae), Labcorp
Classification: Uncertain significance for Joubert syndrome; Meckel-Gruber syndrome. Last evaluated: 2025-01-06. Review status: criteria provided, single submitter. Criteria: Invitae Variant Classification Sherloc (09022015). Collection method: clinical testing. Allele origin: germline.
Comment: This sequence change replaces isoleucine, which is neutral and non-polar, with methionine, which is neutral and non-polar, at codon 83 of the RPGRIP1L protein (p.Ile83Met). This variant is not present in population databases (gnomAD no frequency). This variant has not been reported in the literature in individuals affected with RPGRIP1L-related conditions. ClinVar contains an entry for this variant (Variation ID: 2167172). Invitae Evidence Modeling of protein sequence and biophysical properties (such as structural, functional, and spatial information, amino acid conservation, physicochemical variation, residue mobility, and thermodynamic stability) indicates that this missense variant is not expected to disrupt RPGRIP1L protein function with a negative predictive value of 80%. In summary, the available evidence is currently insufficient to determine the role of this variant in disease. Therefore, it has been classified as a Variant of Uncertain Significance.